The following is an entry in ClinVar:

ClinVar aggregate classification (germline): Pathogenic (1 of 4 stars; one submission).

Conditions:
Mowat-Wilson syndrome (MOWS). Also called: Classic Mowat-Wilson Syndrome. Identifiers: Orphanet 2152, MedGen C1856113, MONDO:0009341, OMIM 235730.

Submission:

Medical Genetics Unit, Azienda USL-IRCCS di Reggio Emilia
Classification: Pathogenic for Mowat-Wilson syndrome. Last evaluated: 2023-10-20. Review status: criteria provided, single submitter. Criteria: ACMG Guidelines, 2015. Collection method: clinical testing. Allele origin: de novo. Affected: yes. Observed: 1 variant allele.
Comment: Heterozygous variant associated with Mowat-Wilson syndrome in at least 1 individual. ACMG/AMP criteria PVS1, PM2, PP4

Literature cited by the submitters: PubMed 29300384.

NM_014795.4(ZEB2):c.715del (p.Glu239fs)

Gene: ZEB2 (zinc finger E-box binding homeobox 2; minus strand). Cytogenetic location: 2q22.3.
Variant type: Deletion.
Coding change: c.715del on transcript NM_014795.4 (MANE Select); coding-DNA position 715, one base deleted (G; older notation c.715delG).
Protein change: p.Glu239fs; shifts the reading frame from glutamic acid 239.
Molecular consequence: frameshift variant.
Genome position (GRCh38, 1-based): chr2:144,404,008, C deleted on the plus strand (G on the coding strand, the reverse complement: ZEB2 is on the minus strand). VCF-style (leftmost placement, unchanged base first): chr2-144404007-TC-T. GRCh37 (hg19) VCF-style: chr2-145161574-TC-T.
Other names: c.643del, p.Glu215fs (NM_001171653.2); short protein forms E215fs, E239fs.
Identifiers: ClinVar variation 2687503 (VCV002687503.2), dbSNP rs2549109346, ClinGen allele CA2586965036.